The following is an entry in ClinVar:

NM_206926.2(SELENON):c.301+6A>T

Gene: SELENON (selenoprotein N; plus strand). Cytogenetic location: 1p36.11.
Variant type: single nucleotide variant.
Coding change: c.301+6A>T on transcript NM_206926.2 (MANE Select); 6 bases into the intron after coding-DNA position 301, A replaced by T.
Molecular consequence: intron variant.
Genome position (GRCh38, 1-based): chr1:25,801,166, A>T. VCF-style: chr1-25801166-A-T. GRCh37 (hg19) VCF-style: chr1-26127657-A-T.
Other names: c.301+6A>T (NM_020451.3).
Identifiers: ClinVar variation 511092 (VCV000511092.1), dbSNP rs1553198615, ClinGen allele CA658795421.

ClinVar aggregate classification (germline): Likely benign (1 of 4 stars; one submission).

Submission:

GeneDx
Classification: Likely benign. Last evaluated: 2017-07-31. Review status: criteria provided, single submitter. Criteria: GeneDx Variant Classification (06012015). Collection method: clinical testing. Allele origin: germline. Affected: yes.
Comment: This variant is considered likely benign or benign based on one or more of the following criteria: it is a conservative change, it occurs at a poorly conserved position in the protein, it is predicted to be benign by multiple in silico algorithms, and/or has population frequency not consistent with disease.